The following is an entry in ClinVar:

NM_001394062.1(MACF1):c.20179G>A (p.Glu6727Lys)

Gene: MACF1 (microtubule actin crosslinking factor 1; plus strand). Cytogenetic location: 1p34.3.
Variant type: single nucleotide variant.
Coding change: c.20179G>A on transcript NM_001394062.1 (MANE Select); coding-DNA position 20179, G replaced by A.
Protein change: p.Glu6727Lys; replaces glutamic acid 6727 with lysine.
Molecular consequence: missense variant.
Genome position (GRCh38, 1-based): chr1:39,448,684, G>A. VCF-style: chr1-39448684-G-A. GRCh37 (hg19) VCF-style: chr1-39914356-G-A.
Other names: c.8257G>A, p.Glu2753Lys (NM_001397473.1); c.14002G>A, p.Glu4668Lys (NM_012090.5); short protein forms E6727K, E4668K, E2753K.
Identifiers: ClinVar variation 4050322 (VCV004050322.9).

ClinVar aggregate classification (germline): Likely benign. Review status: criteria provided, multiple submitters, no conflicts (2 of 4 stars). 3 submissions from 3 submitters: Likely benign (3). Last evaluated 2025-09-01.

Conditions:
Inborn genetic diseases. Identifiers: MedGen C0950123, MeSH D030342.

gnomAD v4.1: 261 of 1,613,294 alleles (0.016%); highest among the groups gnomAD compares: Admixed American, 0.037%; no homozygotes.

Submissions (3):

CeGaT Center for Human Genetics Tuebingen
Classification: Likely benign. Last evaluated: 2025-09-01. Review status: criteria provided, single submitter. Criteria: CeGaT Center For Human Genetics Tuebingen Variant Classification Criteria Version 2. Collection method: clinical testing. Allele origin: germline. Affected: yes. Observed: 1 variant allele.
Comment: MACF1: BP4

Ambry Genetics
Classification: Likely benign for Inborn genetic diseases. Last evaluated: 2025-03-20. Review status: criteria provided, single submitter. Criteria: Ambry Variant Classification Scheme 2023. Collection method: clinical testing. Allele origin: germline.

Blueprint Genetics
Classification: Likely benign. Last evaluated: 2024-07-12. Review status: criteria provided, single submitter. Criteria: ACMG Guidelines, 2015. Collection method: clinical testing. Allele origin: germline.